The following is an entry in ClinVar:

NM_004369.4(COL6A3):c.2581A>G (p.Lys861Glu)

Gene: COL6A3 (collagen type VI alpha 3 chain; minus strand). Cytogenetic location: 2q37.3.
Variant type: single nucleotide variant.
Coding change: c.2581A>G on transcript NM_004369.4 (MANE Select); coding-DNA position 2581, A replaced by G.
Protein change: p.Lys861Glu; replaces lysine 861 with glutamic acid.
Molecular consequence: missense variant.
Genome position (GRCh38, 1-based): chr2:237,377,261, T>C on the plus strand (A>G on the coding strand, the complement: COL6A3 is on the minus strand). VCF-style: chr2-237377261-T-C. GRCh37 (hg19) VCF-style: chr2-238285904-T-C.
Other names: c.1360A>G, p.Lys454Glu (NM_057164.5); c.1963A>G, p.Lys655Glu (NM_057165.5, NM_057167.4); c.760A>G, p.Lys254Glu (NM_057166.5); short protein forms K454E, K861E, K254E, K655E.
Identifiers: ClinVar variation 3696577 (VCV003696577.2).
Genomic context (GRCh38, chr2:237,377,261, plus strand): 5'-TGTACTGAGCCACCGCAATTCGGGTCCCCTCTGGCTTCACATTGAGCTCATCGATAATCT[T>C]GTAGAGAAAGTCACGGACAACAGGGAACTGGCCCACAAGATTGGCTGAGCCGTCAAAGAG-3'
Protein context (NP_004360.2, residues 851-871): QFPVVRDFLY[Lys861Glu]IIDELNVKPE

ClinVar aggregate classification (germline): Uncertain significance (1 of 4 stars; one submission).

Conditions:
Bethlem myopathy 1A. Also called: MYOPATHY, BENIGN CONGENITAL, WITH CONTRACTURES; Bethlem myopathy 1; Bethlem Muscular Dystrophy. Identifiers: Orphanet 610, MedGen CN029274, MONDO:0024530, OMIM 158810.

Submission:

Labcorp Genetics (formerly Invitae), Labcorp
Classification: Uncertain significance for Bethlem myopathy 1A. Last evaluated: 2024-10-23. Review status: criteria provided, single submitter. Criteria: Invitae Variant Classification Sherloc (09022015). Collection method: clinical testing. Allele origin: germline.
Comment: This sequence change replaces lysine, which is basic and polar, with glutamic acid, which is acidic and polar, at codon 861 of the COL6A3 protein (p.Lys861Glu). This variant is not present in population databases (gnomAD no frequency). This variant has not been reported in the literature in individuals affected with COL6A3-related conditions. Invitae Evidence Modeling of protein sequence and biophysical properties (such as structural, functional, and spatial information, amino acid conservation, physicochemical variation, residue mobility, and thermodynamic stability) indicates that this missense variant is not expected to disrupt COL6A3 protein function with a negative predictive value of 80%. In summary, the available evidence is currently insufficient to determine the role of this variant in disease. Therefore, it has been classified as a Variant of Uncertain Significance.